The following is an entry in ClinVar:

ClinVar aggregate classification (germline): Pathogenic (1 of 4 stars; one submission).

Conditions:
Hereditary cancer-predisposing syndrome. Also called: Neoplastic Syndromes, Hereditary; Tumor predisposition; Hereditary Cancer Syndrome; Hereditary neoplastic syndrome. Identifiers: Orphanet 140162, MedGen C0027672, MeSH D009386, MONDO:0015356.

Submission:

Ambry Genetics
Classification: Pathogenic for Hereditary cancer-predisposing syndrome. Last evaluated: 2022-10-24. Review status: criteria provided, single submitter. Criteria: Ambry Variant Classification Scheme 2023. Collection method: clinical testing. Allele origin: germline.
Comment: The p.E741* pathogenic mutation (also known as c.2221G>T), located in coding exon 13 of the PMS2 gene, results from a G to T substitution at nucleotide position 2221. This changes the amino acid from a glutamic acid to a stop codon within coding exon 13. This alteration is expected to result in loss of function by premature protein truncation or nonsense-mediated mRNA decay. As such, this alteration is interpreted as a disease-causing mutation.

NM_000535.7(PMS2):c.2221G>T (p.Glu741Ter)

Gene: PMS2 (PMS1 homolog 2, mismatch repair system component; minus strand). Cytogenetic location: 7p22.1.
Variant type: single nucleotide variant.
Coding change: c.2221G>T on transcript NM_000535.7 (MANE Select); coding-DNA position 2221, G replaced by T.
Protein change: p.Glu741Ter; replaces glutamic acid 741 with a stop codon.
Molecular consequence: nonsense. On other transcripts: non-coding transcript variant (1).
Genome position (GRCh38, 1-based): chr7:5,978,650, C>A on the plus strand (G>T on the coding strand, the complement: PMS2 is on the minus strand). VCF-style: chr7-5978650-C-A. GRCh37 (hg19) VCF-style: chr7-6018281-C-A.
Other names: c.1816G>T, p.Glu606Ter (NM_001018040.1, NM_001322003.2, NM_001322004.2 and 15 more transcripts); c.2065G>T, p.Glu689Ter (NM_001322006.2, NM_001406870.1); c.1903G>T, p.Glu635Ter (NM_001322007.2, NM_001322008.2, NM_001406876.1 and 1 more transcripts); c.1660G>T, p.Glu554Ter (NM_001322010.2, NM_001406906.1, NM_001406907.1); c.1288G>T, p.Glu430Ter (NM_001322011.2, NM_001322012.2); c.1648G>T, p.Glu550Ter (NM_001322013.2, NM_001406908.1, NM_001406909.1); c.2221G>T, p.Glu741Ter (NM_001322014.2); c.1912G>T, p.Glu638Ter (NM_001322015.2, NM_001406875.1, NM_001406877.1 and 5 more transcripts); and 14 more; short protein forms E484*, E583*, E606*, E741*, E749*, E550*, E579*, E619*.
Identifiers: ClinVar variation 1787944 (VCV001787944.2), dbSNP rs2128682979, ClinGen allele CA366736748.